The following is an entry in ClinVar:

NM_000443.4(ABCB4):c.1481G>A (p.Arg494His)

Gene: ABCB4 (ATP binding cassette subfamily B member 4; minus strand). Cytogenetic location: 7q21.12.
Variant type: single nucleotide variant.
Coding change: c.1481G>A on transcript NM_000443.4 (MANE Select); coding-DNA position 1481, G replaced by A.
Protein change: p.Arg494His; replaces arginine 494 with histidine.
Molecular consequence: missense variant.
Genome position (GRCh38, 1-based): chr7:87,440,278, C>T on the plus strand (G>A on the coding strand, the complement: ABCB4 is on the minus strand). VCF-style: chr7-87440278-C-T. GRCh37 (hg19) VCF-style: chr7-87069594-C-T.
Other names: c.1481G>A, p.Arg494His (NM_018849.3, NM_018850.3); c.1481G>A (NM_000443.3); short protein forms R494H.
Identifiers: ClinVar variation 593562 (VCV000593562.14), dbSNP rs753652201, ClinGen allele CA4327279.
Genomic context (GRCh38, chr7:87,440,278, plus strand): 5'-AACTCATAGGCGTTGGCCTCTTTGACAGCTTTCTTTATCTCATCCATGGTTACATTTCCA[C>T]GGCCATAACAAATATTTTCAGCAATTGTGGTGGAAAACAGCACCGGCTCCTGACTCACCA-3'
Protein context (NP_000434.1, residues 484-504): TTIAENICYG[Arg494His]GNVTMDEIKK

ClinVar aggregate classification (germline): Uncertain significance. Review status: criteria provided, multiple submitters, no conflicts (2 of 4 stars). 7 submissions from 7 submitters: Uncertain significance (7). Last evaluated 2026-04-14.

Conditions:
Progressive familial intrahepatic cholestasis type 3. Also called: Low Gamma-GT Familial Intrahepatic Cholestasis; MDR3 DEFICIENCY. Identifiers: Orphanet 79305, MedGen C1865643, MONDO:0011214, OMIM 602347.
ABCB4-related disorder. Also called: ABCB4-related disorders; ABCB4-related condition.
Low phospholipid associated cholelithiasis (GBD1). Also called: Gallbladder disease 1; Gallstone cholecystitis. Identifiers: Orphanet 69663, MedGen C2609268, MONDO:0010939, OMIM 600803.

Allele frequency attached by ClinVar (database versions not stated): TOPMed 0.00004; ExAC 0.00005; gnomAD 0.00005 and 0.00006.
gnomAD v4.1: 115 of 1,614,004 alleles (0.0071%); highest among the groups gnomAD compares: Non-Finnish European, 0.009%; no homozygotes.

Submissions (7):

Genomenon, Inc
Classification: Uncertain significance for Low phospholipid associated cholelithiasis. Last evaluated: 2026-04-14. Review status: criteria provided, single submitter. Criteria: Genomenon Sequence Variant Interpretation Standards - Updated. Collection method: curation. Allele origin: germline. Affected: yes.
Comment: ABCB4 p.Arg494His (c.1481G>A) is a missense variant that changes the amino acid at residue 494 from Arginine to Histidine. This variant has been observed in at least one proband with an ABCB4-related disorder (PMID:32650689). It is absent or not present at a significant frequency in gnomAD. In silico models predict that this variant is possibly or probably damaging. In conclusion, we classify ABCB4 p.Arg494His (c.1481G>A) as a variant of uncertain significance.

PreventionGenetics, part of Exact Sciences
Classification: Uncertain significance for ABCB4-related condition. Last evaluated: 2026-02-07. Review status: criteria provided, single submitter. Criteria: ACMG Guidelines, 2015. Collection method: clinical testing. Allele origin: germline.
Comment: The ABCB4 c.1481G>A variant is predicted to result in the amino acid substitution p.Arg494His. This variant has been reported in the heterozygous state in an individual with cholelithiasis (Gouveia et al. 2020. PubMed ID: 32650689). This variant has also been reported with a ABCB4 frameshift variant in an individual with low phospholipid–associated cholelithiasis and cholestatic chronic liver disease (Bittencourt et al. 2026. doi: 10.1097/HC9.0000000000000851). This variant is reported in 0.014% of alleles in individuals of Latino descent in gnomAD. At this time, the clinical significance of this variant is uncertain due to the absence of conclusive functional and genetic evidence.

Labcorp Genetics (formerly Invitae), Labcorp
Classification: Uncertain significance. Last evaluated: 2026-01-21. Review status: criteria provided, single submitter. Criteria: Invitae Variant Classification Sherloc (09022015). Collection method: clinical testing. Allele origin: germline.
Comment: This sequence change replaces arginine, which is basic and polar, with histidine, which is basic and polar, at codon 494 of the ABCB4 protein (p.Arg494His). This variant is present in population databases (rs753652201, gnomAD 0.01%). This missense change has been observed in individual(s) with ABCB4-related conditions (PMID: 32650689). ClinVar contains an entry for this variant (Variation ID: 593562). Invitae Evidence Modeling of protein sequence and biophysical properties (such as structural, functional, and spatial information, amino acid conservation, physicochemical variation, residue mobility, and thermodynamic stability) indicates that this missense variant is not expected to disrupt ABCB4 protein function with a negative predictive value of 80%. In summary, the available evidence is currently insufficient to determine the role of this variant in disease. Therefore, it has been classified as a Variant of Uncertain Significance.

Dasa
Classification: Uncertain significance for Progressive familial intrahepatic cholestasis type 3. Last evaluated: 2025-10-31. Review status: criteria provided, single submitter. Criteria: DASA Assertion Criteria. Collection method: clinical testing. Allele origin: germline.
Comment: NM_000443.4(ABCB4):c.1481G>A (p.Arg494His) is a missense variant that results in the substitution of arginine with histidine. The affected residue or protein region has prior evidence supporting clinical relevance. This variant is rare in population databases. Computational prediction algorithms are consistent with a deleterious effect. The currently available literature and clinical evidence are not sufficient to establish a definitive association between this variant and the reported condition. Therefore, this variant is classified as a variant of uncertain significance.

Women's Health and Genetics/Laboratory Corporation of America, LabCorp
Classification: Uncertain significance. Last evaluated: 2024-04-26. Review status: criteria provided, single submitter. Criteria: LabCorp Variant Classification Summary - May 2015. Collection method: clinical testing. Allele origin: germline.
Comment: Variant summary: ABCB4 c.1481G>A (p.Arg494His) results in a non-conservative amino acid change located in the ABC transporter-like, ATP-binding domain of the encoded protein sequence. Five of five in-silico tools predict a damaging effect of the variant on protein function. The variant allele was found at a frequency of 6.4e-05 in 251288 control chromosomes. This frequency is not significantly higher than estimated for a pathogenic variant in ABCB4 causing Familial Intrahepatic Cholestasis (6.4e-05 vs 0.0022), allowing no conclusion about variant significance. c.1481G>A has been reported in the literature in a heterozygous individual affected with Familial Intrahepatic Cholestasis (Gouveia_2020). These report(s) do not provide unequivocal conclusions about association of the variant with Familial Intrahepatic Cholestasis. To our knowledge, no experimental evidence demonstrating an impact on protein function has been reported. The following publication have been ascertained in the context of this evaluation (PMID: 32650689). ClinVar contains an entry for this variant (Variation ID: 593562). Based on the evidence outlined above, the variant was classified as uncertain significance.

Mendelics
Classification: Uncertain significance. Last evaluated: 2022-05-04. Review status: criteria provided, single submitter. Criteria: Mendelics Assertion Criteria 2019. Collection method: clinical testing. Allele origin: germline.

Eurofins Ntd Llc (ga)
Classification: Uncertain significance. Last evaluated: 2017-08-08. Review status: criteria provided, single submitter. Criteria: EGL Classification Definitions 2015. Collection method: clinical testing. Allele origin: germline. Observed: 3 variant alleles, 3 heterozygotes.

Literature cited by the submitters: PubMed 32650689 (cited by 3 submitters).